The following is an entry in ClinVar:

NM_052947.4(ALPK2):c.2687T>C (p.Leu896Ser)

Gene: ALPK2 (alpha kinase 2; minus strand). Cytogenetic location: 18q21.31.
Variant type: single nucleotide variant.
Coding change: c.2687T>C on transcript NM_052947.4 (MANE Select); coding-DNA position 2687, T replaced by C.
Protein change: p.Leu896Ser; replaces leucine 896 with serine.
Molecular consequence: missense variant.
Genome position (GRCh38, 1-based): chr18:58,537,500, A>G on the plus strand (T>C on the coding strand, the complement: ALPK2 is on the minus strand). VCF-style: chr18-58537500-A-G. GRCh37 (hg19) VCF-style: chr18-56204732-A-G.
Other names: short protein forms L896S.
Identifiers: ClinVar variation 1794745 (VCV001794745.2), dbSNP rs2518877365, ClinGen allele CA402569998.

ClinVar aggregate classification (germline): Uncertain significance (1 of 4 stars; one submission).

Submission:

Ambry Genetics
Classification: Uncertain significance. Last evaluated: 2021-06-29. Review status: criteria provided, single submitter. Criteria: Ambry Variant Classification Scheme 2023. Collection method: clinical testing. Allele origin: germline.
Comment: The p.L896S variant (also known as c.2687T>C), located in coding exon 4 of the ALPK2 gene, results from a T to C substitution at nucleotide position 2687. The leucine at codon 896 is replaced by serine, an amino acid with dissimilar properties. This amino acid position is conserved. In addition, this alteration is predicted to be tolerated by in silico analysis. Since supporting evidence is limited at this time, the clinical significance of this alteration remains unclear.